The following is an entry in ClinVar:

ClinVar aggregate classification (germline): Uncertain significance (1 of 4 stars; one submission).

gnomAD v4.1: 3 of 1,614,002 alleles (0.00019%); highest among the groups gnomAD compares: Admixed American, 0.0017%; no homozygotes.

Submission:

Labcorp Genetics (formerly Invitae), Labcorp
Classification: Uncertain significance. Last evaluated: 2021-10-27. Review status: criteria provided, single submitter. Criteria: Invitae Variant Classification Sherloc (09022015). Collection method: clinical testing. Allele origin: germline.
Comment: This sequence change replaces valine, a(n) neutral and non-polar amino acid, with isoleucine, a(n) neutral and non-polar amino acid, at codon 147 of the HPS5 protein (p.Val147Ile). This variant is not present in population databases (gnomAD no frequency). This variant has not been reported in the literature in individuals affected with HPS5-related conditions. Algorithms developed to predict the effect of missense changes on protein structure and function output the following: SIFT: "Deleterious"; PolyPhen-2: "Benign"; Align-GVGD: "Class C0". The isoleucine amino acid residue is found in multiple mammalian species, which suggests that this missense change does not adversely affect protein function. In summary, the available evidence is currently insufficient to determine the role of this variant in disease. Therefore, it has been classified as a Variant of Uncertain Significance.

NM_181507.2(HPS5):c.439G>A (p.Val147Ile)

Gene: HPS5 (HPS5 biogenesis of lysosomal organelles complex 2 subunit 2; minus strand). Cytogenetic location: 11p15.1.
Variant type: single nucleotide variant.
Coding change: c.439G>A on transcript NM_181507.2 (MANE Select); coding-DNA position 439, G replaced by A.
Protein change: p.Val147Ile; replaces valine 147 with isoleucine.
Molecular consequence: missense variant.
Genome position (GRCh38, 1-based): chr11:18,310,779, C>T on the plus strand (G>A on the coding strand, the complement: HPS5 is on the minus strand). VCF-style: chr11-18310779-C-T. GRCh37 (hg19) VCF-style: chr11-18332326-C-T.
Other names: c.97G>A, p.Val33Ile (NM_007216.4, NM_181508.2); short protein forms V147I, V33I.
Identifiers: ClinVar variation 1359359 (VCV001359359.3), dbSNP rs777675282, ClinGen allele CA379505184.
Genomic context (GRCh38, chr11:18,310,779, plus strand): 5'-AAAGAATGGGACTGCTTCTCACCTTTGCTTGTTTAGAAGTATTGAGTTTGATAGCAGAAA[C>T]CTTCCCAGCATGATCACCTACAAAAACTCTAAGAATAGCTGTATCCCAGCAGAGAGCTGT-3'
Protein context (NP_852608.1, residues 137-157): RVFVGDHAGK[Val147Ile]SAIKLNTSKQ